The following is an entry in ClinVar:

ClinVar aggregate classification (germline): Uncertain significance (1 of 4 stars; one submission).

Conditions:
Periodic fever-infantile enterocolitis-autoinflammatory syndrome. Also called: Autoinflammation with infantile enterocolitis. Identifiers: Orphanet 436166, MedGen C4015067, MONDO:0014472, OMIM 616050.
Familial cold autoinflammatory syndrome 4 (FCAS4). Identifiers: Orphanet 47045, Orphanet 576349, MedGen C4015276, MONDO:0014498, OMIM 616115.

Allele frequency attached by ClinVar (database versions not stated): gnomAD 0.00002; gnomAD exomes 0.00002; ExAC 0.00004.
gnomAD v4.1: 25 of 1,602,886 alleles (0.0016%); highest among the groups gnomAD compares: South Asian, 0.0034%; no homozygotes.

Submission:

Labcorp Genetics (formerly Invitae), Labcorp
Classification: Uncertain significance for Periodic fever-infantile enterocolitis-autoinflammatory syndrome; Familial cold autoinflammatory syndrome 4. Last evaluated: 2023-10-29. Review status: criteria provided, single submitter. Criteria: Invitae Variant Classification Sherloc (09022015). Collection method: clinical testing. Allele origin: germline.
Comment: This sequence change replaces arginine, which is basic and polar, with cysteine, which is neutral and slightly polar, at codon 948 of the NLRC4 protein (p.Arg948Cys). This variant is present in population databases (rs758911792, gnomAD 0.03%). This variant has not been reported in the literature in individuals affected with NLRC4-related conditions. Advanced modeling of protein sequence and biophysical properties (such as structural, functional, and spatial information, amino acid conservation, physicochemical variation, residue mobility, and thermodynamic stability) performed at Invitae indicates that this missense variant is not expected to disrupt NLRC4 protein function with a negative predictive value of 80%. In summary, the available evidence is currently insufficient to determine the role of this variant in disease. Therefore, it has been classified as a Variant of Uncertain Significance.

NM_001199138.2(NLRC4):c.2842C>T (p.Arg948Cys)

Gene: NLRC4 (NLR family CARD domain containing 4; minus strand). Cytogenetic location: 2p22.3.
Variant type: single nucleotide variant.
Coding change: c.2842C>T on transcript NM_001199138.2 (MANE Select); coding-DNA position 2842, C replaced by T.
Protein change: p.Arg948Cys; replaces arginine 948 with cysteine.
Molecular consequence: missense variant.
Genome position (GRCh38, 1-based): chr2:32,224,706, G>A on the plus strand (C>T on the coding strand, the complement: NLRC4 is on the minus strand). VCF-style: chr2-32224706-G-A. GRCh37 (hg19) VCF-style: chr2-32449775-G-A.
Other names: c.2842C>T, p.Arg948Cys (NM_001199139.2, NM_021209.5); c.847C>T, p.Arg283Cys (NM_001302504.2); short protein forms R283C, R948C.
Identifiers: ClinVar variation 2937092 (VCV002937092.3), dbSNP rs758911792, ClinGen allele CA1601661.